The following is an entry in ClinVar:

NM_033026.6(PCLO):c.10572A>G (p.Ile3524Met)

Gene: PCLO (piccolo presynaptic cytomatrix protein; minus strand). Cytogenetic location: 7q21.11.
Variant type: single nucleotide variant.
Coding change: c.10572A>G on transcript NM_033026.6 (MANE Select); coding-DNA position 10572, A replaced by G.
Protein change: p.Ile3524Met; replaces isoleucine 3524 with methionine.
Molecular consequence: missense variant.
Genome position (GRCh38, 1-based): chr7:82,950,016, T>C on the plus strand (A>G on the coding strand, the complement: PCLO is on the minus strand). VCF-style: chr7-82950016-T-C. GRCh37 (hg19) VCF-style: chr7-82579332-T-C.
Other names: c.10572A>G, p.Ile3524Met (NM_014510.3); short protein forms I3524M.
Identifiers: ClinVar variation 2132025 (VCV002132025.4), dbSNP rs2535674068, ClinGen allele CA367902886.
Genomic context (GRCh38, chr7:82,950,016, plus strand): 5'-ATCCACTCGTGCCCGTATGGAGGGTGTTCTTATGGTTCCAACTGGTTCAGTTTGCACAGA[T>C]ATCTCTGCTACCGTTTGAACTGCTATGCTGGAGACTTTGGAAAGGGGTTTGGTCTTGTCA-3'
Protein context (NP_149015.2, residues 3514-3534): SSIAVQTVAE[Ile3524Met]SVQTEPVGTI

ClinVar aggregate classification (germline): Uncertain significance (1 of 4 stars; one submission).

Allele frequency attached by ClinVar (database versions not stated): gnomAD exomes below 0.00001.
gnomAD v4.1: 1 of 1,613,360 alleles (0.000062%); highest among the groups gnomAD compares: Non-Finnish European, 0.000085%; no homozygotes.

Submission:

Labcorp Genetics (formerly Invitae), Labcorp
Classification: Uncertain significance. Last evaluated: 2022-04-30. Review status: criteria provided, single submitter. Criteria: Invitae Variant Classification Sherloc (09022015). Collection method: clinical testing. Allele origin: germline.
Comment: This sequence change replaces isoleucine, which is neutral and non-polar, with methionine, which is neutral and non-polar, at codon 3524 of the PCLO protein (p.Ile3524Met). This variant is not present in population databases (gnomAD no frequency). This variant has not been reported in the literature in individuals affected with PCLO-related conditions. Algorithms developed to predict the effect of missense changes on protein structure and function are either unavailable or do not agree on the potential impact of this missense change (SIFT: "Deleterious"; PolyPhen-2: "Not Available"; Align-GVGD: "Class C0"). In summary, the available evidence is currently insufficient to determine the role of this variant in disease. Therefore, it has been classified as a Variant of Uncertain Significance.